The following is an entry in ClinVar:

ClinVar aggregate classification (germline): Likely benign (0 of 4 stars; one submission).

Conditions:
FMN1-related disorder. Also called: FMN1-related condition.

Allele frequency attached by ClinVar (database versions not stated): gnomAD exomes 0.00030; 1000 Genomes Project 30x 0.00172; 1000 Genomes Project 0.00200; ExAC 0.00233.
gnomAD v4.1: 445 of 1,536,070 alleles (0.029%); highest among the groups gnomAD compares: South Asian, 0.47%; 3 homozygotes.

Submission:

PreventionGenetics, part of Exact Sciences
Classification: Likely benign for FMN1-related condition. Last evaluated: 2022-11-18. Review status: no assertion criteria provided. Collection method: clinical testing. Allele origin: germline.
Comment: This variant is classified as likely benign based on ACMG/AMP sequence variant interpretation guidelines (Richards et al. 2015 PMID: 25741868, with internal and published modifications).

NM_001277313.2(FMN1):c.401A>C (p.Gln134Pro)

Gene: FMN1 (formin 1; minus strand). Cytogenetic location: 15q13.3.
Variant type: single nucleotide variant.
Coding change: c.401A>C on transcript NM_001277313.2 (MANE Select); coding-DNA position 401, A replaced by C.
Protein change: p.Gln134Pro; replaces glutamine 134 with proline.
Molecular consequence: missense variant.
Genome position (GRCh38, 1-based): chr15:33,154,514, T>G on the plus strand (A>C on the coding strand, the complement: FMN1 is on the minus strand). VCF-style: chr15-33154514-T-G. GRCh37 (hg19) VCF-style: chr15-33446715-T-G.
Other names: c.401A>C, p.Gln134Pro (NM_001277314.2); short protein forms Q134P.
Identifiers: ClinVar variation 3040406 (VCV003040406.2), dbSNP rs554892734, ClinGen allele CA7457599.